The following is an entry in ClinVar:

NM_000391.4(TPP1):c.4G>C (p.Gly2Arg)

Gene: TPP1 (tripeptidyl peptidase 1; minus strand). Cytogenetic location: 11p15.4.
Variant type: single nucleotide variant.
Coding change: c.4G>C on transcript NM_000391.4 (MANE Select); coding-DNA position 4, G replaced by C.
Protein change: p.Gly2Arg; replaces glycine 2 with arginine.
Molecular consequence: missense variant.
Genome position (GRCh38, 1-based): chr11:6,619,397, C>G on the plus strand (G>C on the coding strand, the complement: TPP1 is on the minus strand). VCF-style: chr11-6619397-C-G. GRCh37 (hg19) VCF-style: chr11-6640628-C-G.
Other names: short protein forms G2R.
Identifiers: ClinVar variation 1005840 (VCV001005840.6), dbSNP rs769552465, ClinGen allele CA5859106.

ClinVar aggregate classification (germline): Uncertain significance (1 of 4 stars; one submission).

Allele frequency attached by ClinVar (database versions not stated): gnomAD exomes below 0.00001 and 0.00001; ExAC 0.00001; TOPMed 0.00001.
gnomAD v4.1: 2 of 1,614,208 alleles (0.00012%); highest among the groups gnomAD compares: Admixed American, 0.0033%; no homozygotes.

Submission:

Labcorp Genetics (formerly Invitae), Labcorp
Classification: Uncertain significance. Last evaluated: 2022-08-16. Review status: criteria provided, single submitter. Criteria: Invitae Variant Classification Sherloc (09022015). Collection method: clinical testing. Allele origin: germline.
Comment: This sequence change replaces glycine, which is neutral and non-polar, with arginine, which is basic and polar, at codon 2 of the TPP1 protein (p.Gly2Arg). This variant is present in population databases (rs769552465, gnomAD 0.006%). This variant has not been reported in the literature in individuals affected with TPP1-related conditions. ClinVar contains an entry for this variant (Variation ID: 1005840). Advanced modeling of protein sequence and biophysical properties (such as structural, functional, and spatial information, amino acid conservation, physicochemical variation, residue mobility, and thermodynamic stability) performed at Invitae indicates that this missense variant is not expected to disrupt TPP1 protein function. In summary, the available evidence is currently insufficient to determine the role of this variant in disease. Therefore, it has been classified as a Variant of Uncertain Significance.